The following is an entry in ClinVar:

ClinVar aggregate classification (germline): Likely benign. Review status: criteria provided, multiple submitters, no conflicts (2 of 4 stars). 4 submissions from 4 submitters: Likely benign (3). 1 of the submissions does not count toward it. Last evaluated 2026-01-09.

Conditions:
TTC8-related disorder. Also called: TTC8-related condition.
Bardet-Biedl syndrome (BBS). Identifiers: Orphanet 110, MedGen C0752166, MONDO:0015229.

Allele frequency attached by ClinVar (database versions not stated): TOPMed 0.00001; gnomAD 0.00002; gnomAD exomes 0.00002; ExAC 0.00004.
gnomAD v4.1: 26 of 1,613,918 alleles (0.0016%); highest among the groups gnomAD compares: Middle Eastern, 0.016%; no homozygotes.

Submissions (4):

Labcorp Genetics (formerly Invitae), Labcorp
Classification: Likely benign for Bardet-Biedl syndrome. Last evaluated: 2026-01-09. Review status: criteria provided, single submitter. Criteria: Invitae Variant Classification Sherloc (09022015). Collection method: clinical testing. Allele origin: germline.

CeGaT Center for Human Genetics Tuebingen
Classification: Likely benign. Last evaluated: 2024-08-01. Review status: criteria provided, single submitter. Criteria: CeGaT Center For Human Genetics Tuebingen Variant Classification Criteria Version 2. Collection method: clinical testing. Allele origin: germline. Affected: yes. Observed: 1 variant allele.
Comment: TTC8: BP4, BP7

Blueprint Genetics
Classification: Likely benign. Last evaluated: 2024-01-19. Review status: criteria provided, single submitter. Criteria: ACMG Guidelines, 2015. Collection method: clinical testing. Allele origin: germline.

PreventionGenetics, part of Exact Sciences
Classification: Likely benign for TTC8-related condition. Last evaluated: 2021-07-13. Review status: no assertion criteria provided. Collection method: clinical testing. Allele origin: germline. Not counted in ClinVar's aggregate classification.
Comment: This variant is classified as likely benign based on ACMG/AMP sequence variant interpretation guidelines (Richards et al. 2015 PMID: 25741868, with internal and published modifications).

NM_144596.4(TTC8):c.372G>A (p.Arg124=)

Gene: TTC8 (tetratricopeptide repeat domain 8; plus strand). Cytogenetic location: 14q31.3.
Variant type: single nucleotide variant.
Coding change: c.372G>A on transcript NM_144596.4 (MANE Select); coding-DNA position 372, G replaced by A.
Protein change: p.Arg124=; no amino-acid change (arginine 124 retained).
Molecular consequence: synonymous variant. On other transcripts: 5 prime UTR variant (2), non-coding transcript variant (1).
Genome position (GRCh38, 1-based): chr14:88,841,079, G>A. VCF-style: chr14-88841079-G-A. GRCh37 (hg19) VCF-style: chr14-89307423-G-A.
Other names: c.342G>A, p.Arg114= (NM_001288781.1, NM_001366535.2, NM_001366536.2 and 2 more transcripts); c.-221G>A (NM_001288782.1); c.-316G>A (NM_001288783.1); c.372G>A (NM_144596.3).
Identifiers: ClinVar variation 1641762 (VCV001641762.26), dbSNP rs762722585, ClinGen allele CA7302454.